The following is an entry in ClinVar:

NM_004370.6(COL12A1):c.6728C>T (p.Thr2243Ile)

Gene: COL12A1 (collagen type XII alpha 1 chain; minus strand). Cytogenetic location: 6q13.
Variant type: single nucleotide variant.
Coding change: c.6728C>T on transcript NM_004370.6 (MANE Select); coding-DNA position 6728, C replaced by T.
Protein change: p.Thr2243Ile; replaces threonine 2243 with isoleucine.
Molecular consequence: missense variant.
Genome position (GRCh38, 1-based): chr6:75,124,091, G>A on the plus strand (C>T on the coding strand, the complement: COL12A1 is on the minus strand). VCF-style: chr6-75124091-G-A. GRCh37 (hg19) VCF-style: chr6-75833807-G-A.
Other names: p.Thr2243Ile; c.3236C>T, p.Thr1079Ile (NM_080645.3); short protein forms T1079I, T2243I.
Identifiers: ClinVar variation 971080 (VCV000971080.18), dbSNP rs746250737, ClinGen allele CA3892732.

ClinVar aggregate classification (germline): Uncertain significance. Review status: criteria provided, multiple submitters, no conflicts (2 of 4 stars). 5 submissions from 5 submitters: Uncertain significance (5). Last evaluated 2026-03-04.

Conditions:
Ullrich congenital muscular dystrophy 2 (UCMD2). Identifiers: Orphanet 75840, MedGen C4225314, MONDO:0014654, OMIM 616470.
Bethlem myopathy 2 (BTHLM2). Identifiers: Orphanet 536516, Orphanet 610, MedGen C4225313, MONDO:0034022, OMIM 616471.
Inborn genetic diseases. Identifiers: MedGen C0950123, MeSH D030342.

Allele frequency attached by ClinVar (database versions not stated): ExAC 0.00002; TOPMed 0.00001.
gnomAD v4.1: 16 of 1,612,394 alleles (0.00099%); highest among the groups gnomAD compares: Non-Finnish European, 0.0014%; no homozygotes.

Submissions (5):

GeneDx
Classification: Uncertain significance. Last evaluated: 2026-03-04. Review status: criteria provided, single submitter. Criteria: GeneDx Variant Classification Process June 2021. Collection method: clinical testing. Allele origin: germline.
Comment: Has not been previously published as pathogenic or benign to our knowledge; In silico analysis suggests that this missense variant does not alter protein structure/function; Not observed at significant frequency in large population cohorts (gnomAD)

Labcorp Genetics (formerly Invitae), Labcorp
Classification: Uncertain significance for Bethlem myopathy 2; Ullrich congenital muscular dystrophy 2. Last evaluated: 2026-01-24. Review status: criteria provided, single submitter. Criteria: Invitae Variant Classification Sherloc (09022015). Collection method: clinical testing. Allele origin: germline.
Comment: This sequence change replaces threonine, which is neutral and polar, with isoleucine, which is neutral and non-polar, at codon 2243 of the COL12A1 protein (p.Thr2243Ile). This variant is present in population databases (rs746250737, gnomAD 0.003%). This variant has not been reported in the literature in individuals affected with COL12A1-related conditions. ClinVar contains an entry for this variant (Variation ID: 971080). Invitae Evidence Modeling of protein sequence and biophysical properties (such as structural, functional, and spatial information, amino acid conservation, physicochemical variation, residue mobility, and thermodynamic stability) indicates that this missense variant is not expected to disrupt COL12A1 protein function with a negative predictive value of 80%. In summary, the available evidence is currently insufficient to determine the role of this variant in disease. Therefore, it has been classified as a Variant of Uncertain Significance.

Ambry Genetics
Classification: Uncertain significance for Inborn genetic diseases. Last evaluated: 2025-10-06. Review status: criteria provided, single submitter. Criteria: Ambry Variant Classification Scheme 2023. Collection method: clinical testing. Allele origin: germline.

Mayo Clinic Laboratories, Mayo Clinic
Classification: Uncertain significance. Last evaluated: 2025-02-27. Review status: criteria provided, single submitter. Criteria: ACMG Guidelines, 2015. Collection method: clinical testing. Allele origin: germline. Observed: 1 variant allele.
Comment: BP4

Revvity Omics, Revvity
Classification: Uncertain significance. Last evaluated: 2024-09-10. Review status: criteria provided, single submitter. Criteria: ACMG Guidelines, 2015. Collection method: clinical testing. Allele origin: germline.